The following is an entry in ClinVar:

ClinVar aggregate classification (germline): Uncertain significance. Review status: criteria provided, multiple submitters, no conflicts (2 of 4 stars). 2 submissions from 2 submitters: Uncertain significance (2). Last evaluated 2025-04-17.

Conditions:
Charcot-Marie-Tooth disease type 1C. Also called: HMSN IC; CMT, SLOW NERVE CONDUCTION TYPE C; CHARCOT-MARIE-TOOTH DISEASE, DEMYELINATING, TYPE 1C; CHARCOT-MARIE-TOOTH NEUROPATHY, TYPE 1C; NEUROPATHY, HEREDITARY MOTOR AND SENSORY, TYPE IC; Charcot-Marie-Tooth disease, type IC. Identifiers: Orphanet 101083, MedGen C0270913, MONDO:0010995, OMIM 601098.
Inborn genetic diseases. Identifiers: MedGen C0950123, MeSH D030342.

Allele frequency attached by ClinVar (database versions not stated): gnomAD exomes 0.00001; TOPMed 0.00001.
gnomAD v4.1: 21 of 1,614,208 alleles (0.0013%); highest among the groups gnomAD compares: Middle Eastern, 0.016%; no homozygotes.

Submissions (2):

Labcorp Genetics (formerly Invitae), Labcorp
Classification: Uncertain significance for Charcot-Marie-Tooth disease type 1C. Last evaluated: 2025-04-17. Review status: criteria provided, single submitter. Criteria: Invitae Variant Classification Sherloc (09022015). Collection method: clinical testing. Allele origin: germline.
Comment: This sequence change replaces valine, which is neutral and non-polar, with isoleucine, which is neutral and non-polar, at codon 29 of the LITAF protein (p.Val29Ile). This variant is not present in population databases (gnomAD no frequency). This variant has not been reported in the literature in individuals affected with LITAF-related conditions. ClinVar contains an entry for this variant (Variation ID: 532704). An algorithm developed to predict the effect of missense changes on protein structure and function outputs the following: PolyPhen-2: "Benign". The isoleucine amino acid residue is found in multiple mammalian species, which suggests that this missense change does not adversely affect protein function. In summary, the available evidence is currently insufficient to determine the role of this variant in disease. Therefore, it has been classified as a Variant of Uncertain Significance.

Ambry Genetics
Classification: Uncertain significance for Inborn genetic diseases. Last evaluated: 2025-01-18. Review status: criteria provided, single submitter. Criteria: Ambry Variant Classification Scheme 2023. Collection method: clinical testing. Allele origin: germline.

NM_001136472.2(LITAF):c.85G>A (p.Val29Ile)

Gene: LITAF (lipopolysaccharide induced TNF factor; minus strand). Cytogenetic location: 16p13.13.
Variant type: single nucleotide variant.
Coding change: c.85G>A on transcript NM_001136472.2 (MANE Select); coding-DNA position 85, G replaced by A.
Protein change: p.Val29Ile; replaces valine 29 with isoleucine.
Molecular consequence: missense variant. On other transcripts: non-coding transcript variant (1).
Genome position (GRCh38, 1-based): chr16:11,556,646, C>T on the plus strand (G>A on the coding strand, the complement: LITAF is on the minus strand). VCF-style: chr16-11556646-C-T. GRCh37 (hg19) VCF-style: chr16-11650502-C-T.
Other names: c.85G>A, p.Val29Ile (NM_001136473.1, NM_004862.4); short protein forms V29I.
Identifiers: ClinVar variation 532704 (VCV000532704.11), dbSNP rs767809270, ClinGen allele CA278308247.